The following is an entry in ClinVar:

ClinVar aggregate classification (germline): Conflicting classifications of pathogenicity. Review status: criteria provided, conflicting classifications (1 of 4 stars). 2 submissions from 2 submitters: Uncertain significance (1); Likely benign (1). Last evaluated 2021-06-09.

Conditions:
Hereditary breast ovarian cancer syndrome. Also called: Hereditary breast and ovarian cancer syndrome; BRCA1- and BRCA2-Associated Hereditary Breast and Ovarian Cancer; Breast and ovarian cancer; Hereditary breast and/or ovarian cancer syndrome; Hereditary breast and ovarian cancer; Hereditary breast and ovarian cancer syndrome (HBOC). Identifiers: Orphanet 145, MedGen C0677776, MeSH D061325, MONDO:0003582. Disease mechanism: loss of function.
Hereditary cancer-predisposing syndrome. Also called: Neoplastic Syndromes, Hereditary; Tumor predisposition; Hereditary Cancer Syndrome; Hereditary neoplastic syndrome. Identifiers: Orphanet 140162, MedGen C0027672, MeSH D009386, MONDO:0015356.

Submissions (2):

Labcorp Genetics (formerly Invitae), Labcorp
Classification: Uncertain significance for Hereditary breast ovarian cancer syndrome. Last evaluated: 2021-06-09. Review status: criteria provided, single submitter. Criteria: Invitae Variant Classification Sherloc (09022015). Collection method: clinical testing. Allele origin: germline.
Comment: This sequence change replaces threonine with isoleucine at codon 161 of the BRCA1 protein (p.Thr161Ile). The threonine residue is weakly conserved and there is a moderate physicochemical difference between threonine and isoleucine. This variant is not present in population databases (ExAC no frequency) and has not been reported in the literature in individuals with a BRCA1-related disease. ClinVar contains an entry for this variant (Variation ID: 233021). Algorithms developed to predict the effect of missense changes on protein structure and function output the following: SIFT: "Tolerated"; PolyPhen-2: "Benign"; Align-GVGD: "Class C0". The isoleucine amino acid residue is found in multiple mammalian species, suggesting that this missense change does not adversely affect protein function. These predictions have not been confirmed by published functional studies. In summary, this variant is a rare missense change that is not predicted to affect protein function. There is no indication that it causes disease, but the available evidence is currently insufficient to prove that conclusively. Therefore, it has been classified as a Variant of Uncertain Significance.

Ambry Genetics
Classification: Likely benign for Hereditary cancer-predisposing syndrome. Last evaluated: 2015-07-15. Review status: criteria provided, single submitter. Criteria: Ambry Variant Classification Scheme 2023. Collection method: clinical testing. Allele origin: germline.

NM_007294.4(BRCA1):c.482C>T (p.Thr161Ile)

Gene: BRCA1 (BRCA1 DNA repair associated; minus strand). Cytogenetic location: 17q21.31.
Variant type: single nucleotide variant.
Coding change: c.482C>T on transcript NM_007294.4 (MANE Select); coding-DNA position 482, C replaced by T.
Protein change: p.Thr161Ile; replaces threonine 161 with isoleucine.
Molecular consequence: missense variant. On other transcripts: non-coding transcript variant (1).
Genome position (GRCh38, 1-based): chr17:43,099,840, G>A on the plus strand (C>T on the coding strand, the complement: BRCA1 is on the minus strand). VCF-style: chr17-43099840-G-A. GRCh37 (hg19) VCF-style: chr17-41251857-G-A.
Other names: c.269C>T, p.Thr90Ile (NM_001407571.1, NM_001408490.1, NM_001408491.1 and 18 more transcripts); c.482C>T, p.Thr161Ile (NM_001407581.1, NM_001407582.1, NM_001407583.1 and 97 more transcripts); c.479C>T, p.Thr160Ile (NM_001407587.1, NM_001407590.1, NM_001407591.1 and 65 more transcripts); c.404C>T, p.Thr135Ile (NM_001408476.1, NM_001407653.1, NM_001407654.1 and 12 more transcripts); c.272C>T, p.Thr91Ile (NM_001408478.1, NM_001408479.1, NM_001408480.1 and 37 more transcripts); c.341C>T, p.Thr114Ile (NM_001408496.1, NM_001408497.1, NM_001408498.1 and 61 more transcripts); c.338C>T, p.Thr113Ile (NM_001408503.1, NM_001408504.1, NM_001408505.1 and 35 more transcripts); c.101C>T, p.Thr34Ile (NM_001408510.1, NM_001408512.1, NM_001407959.1 and 3 more transcripts); and 4 more; short protein forms T161I, T114I, T116I, T158I, T160I, T113I, T134I, T135I.
Identifiers: ClinVar variation 233021 (VCV000233021.15), dbSNP rs876660138, ClinGen allele CA10580693.